The following is an entry in ClinVar:

NM_015965.7(NDUFA13):c.144G>C (p.Trp48Cys)

Genes: NDUFA13 (NADH:ubiquinone oxidoreductase subunit A13; plus strand), LOC125371495 (Sharpr-MPRA regulatory region 9511; plus strand). Cytogenetic location: 19p13.11.
Variant type: single nucleotide variant.
Coding change: c.144G>C on transcript NM_015965.7 (MANE Select); coding-DNA position 144, G replaced by C.
Protein change: p.Trp48Cys; replaces tryptophan 48 with cysteine.
Molecular consequence: missense variant.
Genome position (GRCh38, 1-based): chr19:19,526,231, G>C. VCF-style: chr19-19526231-G-C. GRCh37 (hg19) VCF-style: chr19-19637040-G-C.
Other names: short protein forms W48C.
Identifiers: ClinVar variation 2111463 (VCV002111463.4), dbSNP rs2513879996, ClinGen allele CA404935858.

ClinVar aggregate classification (germline): Uncertain significance (1 of 4 stars; one submission).

Submission:

Labcorp Genetics (formerly Invitae), Labcorp
Classification: Uncertain significance. Last evaluated: 2022-03-13. Review status: criteria provided, single submitter. Criteria: Invitae Variant Classification Sherloc (09022015). Collection method: clinical testing. Allele origin: germline.
Comment: This sequence change replaces tryptophan, which is neutral and slightly polar, with cysteine, which is neutral and slightly polar, at codon 48 of the NDUFA13 protein (p.Trp48Cys). This variant is not present in population databases (gnomAD no frequency). This variant has not been reported in the literature in individuals affected with NDUFA13-related conditions. Algorithms developed to predict the effect of missense changes on protein structure and function are either unavailable or do not agree on the potential impact of this missense change (SIFT: "Deleterious"; PolyPhen-2: "Benign"; Align-GVGD: "Class C15"). In summary, the available evidence is currently insufficient to determine the role of this variant in disease. Therefore, it has been classified as a Variant of Uncertain Significance.